The following is an entry in ClinVar:

ClinVar aggregate classification (germline): Uncertain significance (1 of 4 stars; one submission).

Conditions:
Hypertrophic cardiomyopathy. Also called: HYPERTROPHIC MYOCARDIOPATHY. Identifiers: Orphanet 217569, MedGen C0007194, MeSH D002312, MONDO:0005045, HP:0001639.

gnomAD v4.1: 5 of 1,613,980 alleles (0.00031%); highest among the groups gnomAD compares: South Asian, 0.0022%; no homozygotes.

Submission:

Labcorp Genetics (formerly Invitae), Labcorp
Classification: Uncertain significance for Hypertrophic cardiomyopathy. Last evaluated: 2025-07-07. Review status: criteria provided, single submitter. Criteria: Invitae Variant Classification Sherloc (09022015). Collection method: clinical testing. Allele origin: germline.
Comment: This sequence change replaces isoleucine, which is neutral and non-polar, with valine, which is neutral and non-polar, at codon 300 of the MYOM1 protein (p.Ile300Val). This variant is not present in population databases (gnomAD no frequency). This variant has not been reported in the literature in individuals affected with MYOM1-related conditions. ClinVar contains an entry for this variant (Variation ID: 3665723). Invitae Evidence Modeling of protein sequence and biophysical properties (such as structural, functional, and spatial information, amino acid conservation, physicochemical variation, residue mobility, and thermodynamic stability) indicates that this missense variant is not expected to disrupt MYOM1 protein function with a negative predictive value of 80%. In summary, the available evidence is currently insufficient to determine the role of this variant in disease. Therefore, it has been classified as a Variant of Uncertain Significance.

NM_003803.4(MYOM1):c.898A>G (p.Ile300Val)

Gene: MYOM1 (myomesin 1; minus strand). Cytogenetic location: 18p11.31.
Variant type: single nucleotide variant.
Coding change: c.898A>G on transcript NM_003803.4 (MANE Select); coding-DNA position 898, A replaced by G.
Protein change: p.Ile300Val; replaces isoleucine 300 with valine.
Molecular consequence: missense variant.
Genome position (GRCh38, 1-based): chr18:3,187,511, T>C on the plus strand (A>G on the coding strand, the complement: MYOM1 is on the minus strand). VCF-style: chr18-3187511-T-C. GRCh37 (hg19) VCF-style: chr18-3187509-T-C.
Other names: c.898A>G, p.Ile300Val (NM_019856.2); short protein forms I300V.
Identifiers: ClinVar variation 3665723 (VCV003665723.2).